The following is an entry in ClinVar:

NM_000444.6(PHEX):c.1646G>C (p.Arg549Pro)

Genes: PHEX (phosphate regulating endopeptidase X-linked; plus strand), PTCHD1-AS (PTCHD1 and PHEX antisense RNA; minus strand). Cytogenetic location: Xp22.11.
Variant type: single nucleotide variant.
Coding change: c.1646G>C on transcript NM_000444.6 (MANE Select); coding-DNA position 1646, G replaced by C.
Protein change: p.Arg549Pro; replaces arginine 549 with proline.
Molecular consequence: missense variant.
Genome position (GRCh38, 1-based): chrX:22,212,904, G>C. VCF-style: chrX-22212904-G-C. GRCh37 (hg19) VCF-style: chrX-22231021-G-C.
Other names: c.1646G>C, p.Arg549Pro (NM_001282754.2); short protein forms R549P.
Identifiers: ClinVar variation 803761 (VCV000803761.5), dbSNP rs1602395717, ClinGen allele CA412575590.

ClinVar aggregate classification (germline): Pathogenic. Review status: criteria provided, multiple submitters, no conflicts (2 of 4 stars). 2 submissions from 2 submitters: Pathogenic (2). Last evaluated 2021-12-31.

Conditions:
Familial X-linked hypophosphatemic vitamin D refractory rickets (XLHRD). Also called: HYPOPHOSPHATEMIC VITAMIN D-RESISTANT RICKETS; Hypophosphatemia, vitamin D-resistant rickets; Vitamin D-resistant rickets, X-linked; X-Linked Hypophosphatemia; Hypophosphatemic Rickets, X-Linked Dominant. Identifiers: Orphanet 89936, MedGen C0733682, MONDO:0010619, OMIM 307800.

Submissions (2):

Labcorp Genetics (formerly Invitae), Labcorp
Classification: Pathogenic. Last evaluated: 2021-12-31. Review status: criteria provided, single submitter. Criteria: Invitae Variant Classification Sherloc (09022015). Collection method: clinical testing. Allele origin: germline.
Comment: For these reasons, this variant has been classified as Pathogenic. Algorithms developed to predict the effect of sequence changes on RNA splicing suggest that this variant may disrupt the consensus splice site. Algorithms developed to predict the effect of missense changes on protein structure and function are either unavailable or do not agree on the potential impact of this missense change (SIFT: "Deleterious"; PolyPhen-2: "Probably Damaging"; Align-GVGD: "Class C0"). ClinVar contains an entry for this variant (Variation ID: 803761). This missense change has been observed in individual(s) with X-linked hypophosphatemia (PMID: 18625346, 22577109, 25839938; Invitae). It has also been observed to segregate with disease in related individuals. This variant is not present in population databases (gnomAD no frequency). This sequence change replaces arginine, which is basic and polar, with proline, which is neutral and non-polar, at codon 549 of the PHEX protein (p.Arg549Pro).

Mendelics
Classification: Pathogenic for Familial X-linked hypophosphatemic vitamin D refractory rickets. Last evaluated: 2019-05-28. Review status: criteria provided, single submitter. Criteria: Mendelics Assertion Criteria 2017. Collection method: clinical testing. Allele origin: unknown.

Literature cited by the submitters: PubMed 18625346 (cited by Labcorp Genetics (formerly Invitae), Labcorp); PubMed 22577109 (cited by Labcorp Genetics (formerly Invitae), Labcorp); PubMed 25839938 (cited by Labcorp Genetics (formerly Invitae), Labcorp).